The following is an entry in ClinVar:

NM_032638.5(GATA2):c.927C>T (p.Asp309=)

Gene: GATA2 (GATA binding protein 2; minus strand). Cytogenetic location: 3q21.3.
Variant type: single nucleotide variant.
Coding change: c.927C>T on transcript NM_032638.5 (MANE Select); coding-DNA position 927, C replaced by T.
Protein change: p.Asp309=; no amino-acid change (aspartic acid 309 retained).
Molecular consequence: synonymous variant.
Genome position (GRCh38, 1-based): chr3:128,483,950, G>A on the plus strand (C>T on the coding strand, the complement: GATA2 is on the minus strand). VCF-style: chr3-128483950-G-A. GRCh37 (hg19) VCF-style: chr3-128202793-G-A.
Other names: c.927C>T, p.Asp309= (NM_001145661.2, NM_001145662.1); c.927C>T (NM_001145661.1).
Identifiers: ClinVar variation 539731 (VCV000539731.14), dbSNP rs750077677, ClinGen allele CA2599917.

ClinVar aggregate classification (germline): Likely benign. Review status: criteria provided, multiple submitters, no conflicts (2 of 4 stars). 4 submissions from 4 submitters: Likely benign (3). 1 of the submissions does not count toward it. Last evaluated 2025-09-03.

Conditions:
Deafness-lymphedema-leukemia syndrome. Also called: Lymphedema, primary, with myelodysplasia; Emberger syndrome. Identifiers: Orphanet 3226, MedGen C3279664, MONDO:0013540, OMIM 614038.
Monocytopenia with susceptibility to infections. Also called: MONOCYTOPENIA AND MYCOBACTERIAL INFECTION SYNDROME; MONOCYTOPENIA WITH SUSCEPTIBILITY TO MYCOBACTERIAL, FUNGAL, AND PAPILLOMAVIRUS INFECTIONS AND MYELODYSPLASIA; COMBINED IMMUNODEFICIENCY WITH SUSCEPTIBILITY TO MYCOBACTERIAL, VIRAL, AND FUNGAL INFECTIONS; Dendritic cell, monocyte, B lymphocyte, and natural killer lymphocyte deficiency; IMMUNODEFICIENCY 21; GATA2 DEFICIENCY. Identifiers: Orphanet 228423, MedGen C3280030, MONDO:0013607, OMIM 614172.
Inborn genetic diseases. Identifiers: MedGen C0950123, MeSH D030342.
GATA2-related disorder. Also called: GATA2-Related Disorders; GATA2-related condition.

Allele frequency attached by ClinVar (database versions not stated): gnomAD 0.00002 and 0.00003; TOPMed 0.00002; gnomAD exomes 0.00005 and 0.00008; ExAC 0.00012.
gnomAD v4.1: 72 of 1,613,930 alleles (0.0045%); highest among the groups gnomAD compares: South Asian, 0.031%; no homozygotes.

Submissions (4):

Labcorp Genetics (formerly Invitae), Labcorp
Classification: Likely benign for Monocytopenia with susceptibility to infections; Deafness-lymphedema-leukemia syndrome. Last evaluated: 2025-09-03. Review status: criteria provided, single submitter. Criteria: Invitae Variant Classification Sherloc (09022015). Collection method: clinical testing. Allele origin: germline.

Ambry Genetics
Classification: Likely benign for Inborn genetic diseases. Last evaluated: 2024-08-21. Review status: criteria provided, single submitter. Criteria: Ambry Variant Classification Scheme 2023. Collection method: clinical testing. Allele origin: germline.

Blueprint Genetics
Classification: Likely benign. Last evaluated: 2024-02-21. Review status: criteria provided, single submitter. Criteria: ACMG Guidelines, 2015. Collection method: clinical testing. Allele origin: germline.

PreventionGenetics, part of Exact Sciences
Classification: Likely benign for GATA2-related condition. Last evaluated: 2021-07-20. Review status: no assertion criteria provided. Collection method: clinical testing. Allele origin: germline. Not counted in ClinVar's aggregate classification.
Comment: This variant is classified as likely benign based on ACMG/AMP sequence variant interpretation guidelines (Richards et al. 2015 PMID: 25741868, with internal and published modifications).